The following is an entry in ClinVar:

NM_006270.5(RRAS):c.527G>A (p.Arg176His)

Gene: RRAS (RAS related; minus strand). Cytogenetic location: 19q13.33.
Variant type: single nucleotide variant.
Coding change: c.527G>A on transcript NM_006270.5 (MANE Select); coding-DNA position 527, G replaced by A.
Protein change: p.Arg176His; replaces arginine 176 with histidine.
Molecular consequence: missense variant.
Genome position (GRCh38, 1-based): chr19:49,635,779, C>T on the plus strand (G>A on the coding strand, the complement: RRAS is on the minus strand). VCF-style: chr19-49635779-C-T. GRCh37 (hg19) VCF-style: chr19-50139036-C-T.
Other names: short protein forms R176H.
Identifiers: ClinVar variation 1471474 (VCV001471474.8), dbSNP rs556200895, ClinGen allele CA9578974.
Genomic context (GRCh38, chr19:49,635,779, plus strand): 5'-GGGGACTTGGCTCACCGGACAGCCCGCACCAGCTGCTCAAAAGCCTCGTCCACGTTGAGA[C>T]GCAGTTTGGCCGAGGCCTCAAAGTAGGCCACGTGGTGGGAGGCGCCGAAGGCAGAGGCTT-3'
Protein context (NP_006261.1, residues 166-186): VAYFEASAKL[Arg176His]LNVDEAFEQL

ClinVar aggregate classification (germline): Uncertain significance. Review status: criteria provided, multiple submitters, no conflicts (2 of 4 stars). 2 submissions from 2 submitters: Uncertain significance (2). Last evaluated 2024-04-19.

Conditions:
Noonan syndrome (NS). Also called: Noonan's syndrome. Identifiers: Orphanet 648, MedGen C0028326, MeSH D009634, MONDO:0018997. Disease mechanism: gain of function.

Allele frequency attached by ClinVar (database versions not stated): gnomAD 0.00001; TOPMed 0.00002; gnomAD exomes 0.00005 and 0.00009; ExAC 0.00014; 1000 Genomes Project 30x 0.00016; 1000 Genomes Project 0.00020.
gnomAD v4.1: 69 of 1,595,122 alleles (0.0043%); highest among the groups gnomAD compares: South Asian, 0.023%; 1 homozygote.

Submissions (2):

Labcorp Genetics (formerly Invitae), Labcorp
Classification: Uncertain significance for Noonan syndrome. Last evaluated: 2024-04-19. Review status: criteria provided, single submitter. Criteria: Invitae Variant Classification Sherloc (09022015). Collection method: clinical testing. Allele origin: germline.
Comment: This sequence change replaces arginine, which is basic and polar, with histidine, which is basic and polar, at codon 176 of the RRAS protein (p.Arg176His). This variant is present in population databases (rs556200895, gnomAD 0.02%). This variant has not been reported in the literature in individuals affected with RRAS-related conditions. ClinVar contains an entry for this variant (Variation ID: 1471474). An algorithm developed to predict the effect of missense changes on protein structure and function (PolyPhen-2) suggests that this variant is likely to be disruptive. In summary, the available evidence is currently insufficient to determine the role of this variant in disease. Therefore, it has been classified as a Variant of Uncertain Significance.

Ambry Genetics
Classification: Uncertain significance. Last evaluated: 2021-09-07. Review status: criteria provided, single submitter. Criteria: Ambry Variant Classification Scheme 2023. Collection method: clinical testing. Allele origin: germline.
Comment: The p.R176H variant (also known as c.527G>A), located in coding exon 5 of the RRAS gene, results from a G to A substitution at nucleotide position 527. The arginine at codon 176 is replaced by histidine, an amino acid with highly similar properties. This amino acid position is conserved. In addition, the in silico prediction for this alteration is inconclusive. Since supporting evidence is limited at this time, the clinical significance of this alteration remains unclear.